The following is an entry in ClinVar:

ClinVar aggregate classification (germline): Uncertain significance. Review status: criteria provided, multiple submitters, no conflicts (2 of 4 stars). 3 submissions from 3 submitters: Uncertain significance (3). Last evaluated 2025-07-07.

Conditions:
Hereditary cancer-predisposing syndrome. Also called: Tumor predisposition; Hereditary neoplastic syndrome; Neoplastic Syndromes, Hereditary; Hereditary Cancer Syndrome. Identifiers: Orphanet 140162, MedGen C0027672, MeSH D009386, MONDO:0015356.
Microcephaly, normal intelligence and immunodeficiency (NBS). Also called: Immunodeficiency, microcephaly with normal intelligence; BERLIN BREAKAGE SYNDROME; IMMUNODEFICIENCY, MICROCEPHALY, AND CHROMOSOMAL INSTABILITY; SEEMANOVA SYNDROME II; Ataxia telangiectasia variant V1; Nijmegen breakage syndrome. Identifiers: Orphanet 647, MedGen C0398791, MONDO:0009623, OMIM 251260.

Allele frequency attached by ClinVar (database versions not stated): gnomAD exomes below 0.00001; TOPMed below 0.00001; ExAC 0.00001; ESP Exome Variant Server 0.00008.
gnomAD v4.1: 1 of 1,611,008 alleles (0.000062%); highest among the groups gnomAD compares: Non-Finnish European, 0.000085%; no homozygotes.

Submissions (3):

Labcorp Genetics (formerly Invitae), Labcorp
Classification: Uncertain significance for Microcephaly, normal intelligence and immunodeficiency. Last evaluated: 2025-07-07. Review status: criteria provided, single submitter. Criteria: Invitae Variant Classification Sherloc (09022015). Collection method: clinical testing. Allele origin: germline.
Comment: This sequence change replaces proline, which is neutral and non-polar, with threonine, which is neutral and polar, at codon 609 of the NBN protein (p.Pro609Thr). This variant is present in population databases (rs372012641, gnomAD 0.0009%). This variant has not been reported in the literature in individuals affected with NBN-related conditions. ClinVar contains an entry for this variant (Variation ID: 220517). An algorithm developed to predict the effect of missense changes on protein structure and function (PolyPhen-2) suggests that this variant is likely to be tolerated. In summary, the available evidence is currently insufficient to determine the role of this variant in disease. Therefore, it has been classified as a Variant of Uncertain Significance.

Ambry Genetics
Classification: Uncertain significance for Hereditary cancer-predisposing syndrome. Last evaluated: 2024-01-29. Review status: criteria provided, single submitter. Criteria: Ambry Variant Classification Scheme 2023. Collection method: clinical testing. Allele origin: germline.
Comment: The p.P609T variant (also known as c.1825C>A), located in coding exon 11 of the NBN gene, results from a C to A substitution at nucleotide position 1825. The proline at codon 609 is replaced by threonine, an amino acid with highly similar properties. In one study, this alteration was observed in 1/3236 cases with invasive epithelial ovarian cancer and 0/3431 controls (Ramus SJ et al. J Natl Cancer Inst, 2015 Nov;107:). This amino acid position is not well conserved in available vertebrate species. In addition, this alteration is predicted to be tolerated by in silico analysis. Since supporting evidence is limited at this time, the clinical significance of this alteration remains unclear.

Genome-Nilou Lab
Classification: Uncertain significance for Microcephaly, normal intelligence and immunodeficiency. Last evaluated: 2021-11-07. Review status: criteria provided, single submitter. Criteria: ACMG Guidelines, 2015. Collection method: clinical testing. Allele origin: germline. Affected: no.

Literature cited by the submitters: PubMed 26315354 (cited by Ambry Genetics).

NM_002485.5(NBN):c.1825C>A (p.Pro609Thr)

Gene: NBN (nibrin; minus strand). Cytogenetic location: 8q21.3.
Variant type: single nucleotide variant.
Coding change: c.1825C>A on transcript NM_002485.5 (MANE Select); coding-DNA position 1825, C replaced by A.
Protein change: p.Pro609Thr; replaces proline 609 with threonine.
Molecular consequence: missense variant.
Genome position (GRCh38, 1-based): chr8:89,953,264, G>T on the plus strand (C>A on the coding strand, the complement: NBN is on the minus strand). VCF-style: chr8-89953264-G-T. GRCh37 (hg19) VCF-style: chr8-90965492-G-T.
Other names: c.1579C>A, p.Pro527Thr (NM_001024688.3); short protein forms P609T, P527T.
Identifiers: ClinVar variation 220517 (VCV000220517.14), dbSNP rs372012641, ClinGen allele CA350617.